The following is an entry in ClinVar:

ClinVar aggregate classification (germline): Likely benign. Review status: criteria provided, single submitter (1 of 4 stars). 2 submissions from 2 submitters: Likely benign (1). 1 of the submissions does not count toward it. Last evaluated 2023-11-17.

Conditions:
TSEN54-related disorder. Also called: TSEN54-related condition.

Submissions (2):

Labcorp Genetics (formerly Invitae), Labcorp
Classification: Likely benign. Last evaluated: 2023-11-17. Review status: criteria provided, single submitter. Criteria: Invitae Variant Classification Sherloc (09022015). Collection method: clinical testing. Allele origin: germline.

PreventionGenetics, part of Exact Sciences
Classification: Likely benign for TSEN54-related condition. Last evaluated: 2022-05-12. Review status: no assertion criteria provided. Collection method: clinical testing. Allele origin: germline. Not counted in ClinVar's aggregate classification.
Comment: This variant is classified as likely benign based on ACMG/AMP sequence variant interpretation guidelines (Richards et al. 2015 PMID: 25741868, with internal and published modifications).

NM_207346.3(TSEN54):c.30G>A (p.Val10=)

Genes: TSEN54 (tRNA splicing endonuclease subunit 54; plus strand), LOC112533671 (Sharpr-MPRA regulatory region 12010; plus strand). Cytogenetic location: 17q25.1.
Variant type: single nucleotide variant.
Coding change: c.30G>A on transcript NM_207346.3 (MANE Select); coding-DNA position 30, G replaced by A.
Protein change: p.Val10=; no amino-acid change (valine 10 retained).
Molecular consequence: synonymous variant.
Genome position (GRCh38, 1-based): chr17:75,516,590, G>A. VCF-style: chr17-75516590-G-A. GRCh37 (hg19) VCF-style: chr17-73512671-G-A.
Other names: c.30G>A (NM_207346.2).
Identifiers: ClinVar variation 2748580 (VCV002748580.5), dbSNP rs2546150398, ClinGen allele CA501818396.